The following is an entry in ClinVar:

NM_001042492.3(NF1):c.6643-11_6643-7del

Gene: NF1 (neurofibromin 1; plus strand). Cytogenetic location: 17q11.2.
Variant type: Deletion.
Coding change: c.6643-11_6643-7del on transcript NM_001042492.3 (MANE Select); 11 bases into the intron before coding-DNA position 6643 through 7 bases into the intron before coding-DNA position 6643, 5 bases deleted (CCCTT; older notation c.6643-11_6643-7delCCCTT).
Molecular consequence: intron variant.
Genome position (GRCh38, 1-based): chr17:31,337,808-31,337,812, CCCTT deleted. VCF-style (leftmost placement, unchanged base first): chr17-31337807-CCCCTT-C. GRCh37 (hg19) VCF-style: chr17-29664825-CCCCTT-C.
Other names: c.6580-11_6580-7del (NM_000267.4).
Identifiers: ClinVar variation 3066237 (VCV003066237.2), dbSNP rs2508756599, ClinGen allele CA2740097914.

ClinVar aggregate classification (germline): Likely pathogenic (1 of 4 stars; one submission).

Conditions:
Neurofibromatosis, type 1 (NF1). Also called: VON RECKLINGHAUSEN DISEASE; Peripheral type neurofibromatosis; Neurofibromatosis, type I; NEUROFIBROMATOSIS, TYPE I, SOMATIC. Identifiers: Orphanet 636, MedGen C0027831, MONDO:0018975, OMIM 162200. Disease mechanism: loss of function.

Submission:

MVZ Medizinische Genetik Mainz
Classification: Likely pathogenic for Neurofibromatosis, type 1. Last evaluated: 2025-07-18. Review status: criteria provided, single submitter. Criteria: UK Practice Guidelines For Variant Classification V4 01 2020. Collection method: clinical testing. Allele origin: germline. Inheritance: Autosomal dominant inheritance. Affected: yes. Observed: 2 variant alleles.
Comment: ACMG Criteria: PS1_MOD,PS2_MOD,PM2_SUP_MOD,PP3